The following is an entry in ClinVar:

ClinVar aggregate classification (germline): Uncertain significance. Review status: criteria provided, multiple submitters, no conflicts (2 of 4 stars). 8 submissions from 6 submitters: Uncertain significance (8). Last evaluated 2025-08-29.

Conditions:
Cardiovascular phenotype. Identifiers: MedGen CN230736.
Hypertrophic cardiomyopathy 2. Also called: TNNT2-Related Familial Hypertrophic Cardiomyopathy. Identifiers: MedGen C1861864, MONDO:0007266, OMIM 115195.
Cardiomyopathy, familial restrictive, 3. Identifiers: Orphanet 75249, MedGen C2676271, MONDO:0012900, OMIM 612422.
Dilated cardiomyopathy 1D. Identifiers: Orphanet 154, Orphanet 54260, MedGen C1832243, MONDO:0011095, OMIM 601494.
Cardiomyopathy (CMYO). Also called: Cardiomyopathies. Identifiers: Orphanet 167848, MedGen C0878544, MONDO:0004994, HP:0001638. Inheritance: Various modes of inheritance.

Allele frequency attached by ClinVar (database versions not stated): gnomAD 0.00001 and 0.00002; ExAC 0.00002; TOPMed 0.00002.
gnomAD v4.1: 6 of 1,614,032 alleles (0.00037%); highest among the groups gnomAD compares: African/African-American, 0.0053%; no homozygotes.

Submissions (8):

Labcorp Genetics (formerly Invitae), Labcorp
Classification: Uncertain significance for Cardiomyopathy, familial restrictive, 3; Hypertrophic cardiomyopathy 2; Dilated cardiomyopathy 1D. Last evaluated: 2025-08-29. Review status: criteria provided, single submitter. Criteria: Invitae Variant Classification Sherloc (09022015). Collection method: clinical testing. Allele origin: germline.
Comment: This sequence change replaces glutamic acid, which is acidic and polar, with lysine, which is basic and polar, at codon 14 of the TNNT2 protein (p.Glu14Lys). This variant is present in population databases (rs772890125, gnomAD 0.02%). This variant has not been reported in the literature in individuals affected with TNNT2-related conditions. ClinVar contains an entry for this variant (Variation ID: 469522). Experimental studies and prediction algorithms are not available or were not evaluated, and the functional significance of this variant is currently unknown. In summary, the available evidence is currently insufficient to determine the role of this variant in disease. Therefore, it has been classified as a Variant of Uncertain Significance.

Color Diagnostics, LLC DBA Color Health
Classification: Uncertain significance for Cardiomyopathy. Last evaluated: 2025-06-11. Review status: criteria provided, single submitter. Criteria: ACMG Guidelines, 2015. Collection method: clinical testing. Allele origin: germline.
Comment: This missense variant replaces glutamic acid with lysine at codon 14 of the TNNT2 protein. Computational prediction suggests that this variant may not impact protein structure and function. To our knowledge, functional studies have not been reported for this variant. This variant has not been reported in individuals affected with TNNT2-related disorders in the literature. This variant has been identified in 4/251468 chromosomes in the general population by the Genome Aggregation Database (gnomAD). The available evidence is insufficient to determine the role of this variant in disease conclusively. Therefore, this variant is classified as a Variant of Uncertain Significance.

Ambry Genetics
Classification: Uncertain significance for Cardiovascular phenotype. Last evaluated: 2025-01-06. Review status: criteria provided, single submitter. Criteria: Ambry Variant Classification Scheme 2023. Collection method: clinical testing. Allele origin: germline.
Comment: The p.E14K variant (also known as c.40G>A), located in coding exon 1 of the TNNT2 gene, results from a G to A substitution at nucleotide position 40. The glutamic acid at codon 14 is replaced by lysine, an amino acid with similar properties. This amino acid position is highly conserved in available vertebrate species. In addition, the in silico prediction for this alteration is inconclusive. Since supporting evidence is limited at this time, the clinical significance of this alteration remains unclear.

All of Us Research Program, National Institutes of Health
Classification: Uncertain significance for Cardiomyopathy. Last evaluated: 2024-02-05. Review status: criteria provided, single submitter. Criteria: ACMG Guidelines, 2015. Collection method: clinical testing. Allele origin: germline. Inheritance: Autosomal dominant inheritance. Observed: 2 variant alleles, 2 heterozygotes.
Comment: This missense variant replaces glutamic acid with lysine at codon 14 of the TNNT2 protein. Splice site prediction tools are inconclusive regarding the impact of this variant on RNA splicing. Computational prediction suggests that this variant may not impact protein structure and function (internally defined REVEL score threshold <= 0.5, PMID: 27666373). To our knowledge, functional studies have not been reported for this variant. This variant has not been reported in individuals affected with TNNT2-related disorders in the literature. This variant has been identified in 4/251468 chromosomes in the general population by the Genome Aggregation Database (gnomAD). The available evidence is insufficient to determine the role of this variant in disease conclusively. Therefore, this variant is classified as a Variant of Uncertain Significance.

This study involves interpretation of variants in research participants for the purpose of population health screening. Participant phenotype was not available at the time of variant classification. Additional details can be found in publication PMID: 35346344, PMCID: PMC8962531

Genome-Nilou Lab
Classification: Uncertain significance for Dilated cardiomyopathy 1D. Last evaluated: 2023-11-04. Review status: criteria provided, single submitter. Criteria: ACMG Guidelines, 2015. Collection method: clinical testing. Allele origin: germline. Affected: no.

Genome-Nilou Lab
Classification: Uncertain significance for Cardiomyopathy, familial restrictive, 3. Last evaluated: 2023-11-04. Review status: criteria provided, single submitter. Criteria: ACMG Guidelines, 2015. Collection method: clinical testing. Allele origin: germline. Affected: no.

Genome-Nilou Lab
Classification: Uncertain significance for Hypertrophic cardiomyopathy 2. Last evaluated: 2023-11-04. Review status: criteria provided, single submitter. Criteria: ACMG Guidelines, 2015. Collection method: clinical testing. Allele origin: germline. Affected: no.

Women's Health and Genetics/Laboratory Corporation of America, LabCorp
Classification: Uncertain significance. Last evaluated: 2022-02-05. Review status: criteria provided, single submitter. Criteria: LabCorp Variant Classification Summary - May 2015. Collection method: clinical testing. Allele origin: germline.

NM_001276345.2(TNNT2):c.40G>A (p.Glu14Lys)

Gene: TNNT2 (troponin T2, cardiac type; minus strand). Cytogenetic location: 1q32.1.
Variant type: single nucleotide variant.
Coding change: c.40G>A on transcript NM_001276345.2 (MANE Select); coding-DNA position 40, G replaced by A.
Protein change: p.Glu14Lys; replaces glutamic acid 14 with lysine.
Molecular consequence: missense variant.
Genome position (GRCh38, 1-based): chr1:201,373,215, C>T on the plus strand (G>A on the coding strand, the complement: TNNT2 is on the minus strand). VCF-style: chr1-201373215-C-T. GRCh37 (hg19) VCF-style: chr1-201342343-C-T.
Other names: c.40G>A, p.Glu14Lys (NM_001276346.2, NM_001276347.2, NM_000364.4 and 3 more transcripts); short protein forms E14K.
Identifiers: ClinVar variation 469522 (VCV000469522.14), dbSNP rs772890125, ClinGen allele CA028120.